The following is an entry in ClinVar:

ClinVar aggregate classification (germline): Uncertain significance (1 of 4 stars; one submission).

Conditions:
NPHP1-related disorder. Also called: NPHP1-related disorders; NPHP1-related condition.

gnomAD v4.1: 5 of 1,612,938 alleles (0.00031%); highest among the groups gnomAD compares: African/African-American, 0.0013%; no homozygotes.

Submission:

PreventionGenetics, part of Exact Sciences
Classification: Uncertain significance for NPHP1-related condition. Last evaluated: 2025-11-21. Review status: criteria provided, single submitter. Criteria: ACMG Guidelines, 2015. Collection method: clinical testing. Allele origin: germline.
Comment: The NPHP1 c.712G>A variant is predicted to result in the amino acid substitution p.Ala238Thr. To our knowledge, this variant has not been reported in the literature. This variant is reported in 0.0062% of alleles in individuals of African descent in gnomAD. At this time, the clinical significance of this variant is uncertain due to the absence of conclusive functional and genetic evidence.

NM_001128178.3(NPHP1):c.712G>A (p.Ala238Thr)

Gene: NPHP1 (nephrocystin 1; minus strand). Cytogenetic location: 2q13.
Variant type: single nucleotide variant.
Coding change: c.712G>A on transcript NM_001128178.3 (MANE Select); coding-DNA position 712, G replaced by A.
Protein change: p.Ala238Thr; replaces alanine 238 with threonine.
Molecular consequence: missense variant.
Genome position (GRCh38, 1-based): chr2:110,165,068, C>T on the plus strand (G>A on the coding strand, the complement: NPHP1 is on the minus strand). VCF-style: chr2-110165068-C-T. GRCh37 (hg19) VCF-style: chr2-110922645-C-T.
Other names: c.712G>A, p.Ala238Thr (NM_000272.5, NM_001374256.1, NM_001374257.1 and 1 more transcripts); c.526G>A, p.Ala176Thr (NM_001128179.3); short protein forms A176T, A238T.
Identifiers: ClinVar variation 4982384 (VCV004982384.1).
Genomic context (GRCh38, chr2:110,165,068, plus strand): 5'-AATGTTTCCTAAACCTACTTTGATATCCTTTCCCACTTTTGTACCTTTGCTTAACTTCTG[C>T]TCCATCTGCTGTTTCATCCACCGCCTCTACATCTTCTTCACTGCCCTCTTCACTTGACTC-3'
Protein context (NP_001121650.1, residues 228-248): VEAVDETADG[Ala238Thr]EVKQRTDPHW